The following is an entry in ClinVar:

NM_000138.5(FBN1):c.2768del (p.Asn923fs)

Gene: FBN1 (fibrillin 1; minus strand). Cytogenetic location: 15q21.1.
Variant type: Deletion.
Coding change: c.2768del on transcript NM_000138.5 (MANE Select); coding-DNA position 2768, one base deleted (A; older notation c.2768delA).
Protein change: p.Asn923fs; shifts the reading frame from asparagine 923.
Molecular consequence: frameshift variant.
Genome position (GRCh38, 1-based): chr15:48,492,547, T deleted on the plus strand (A on the coding strand, the reverse complement: FBN1 is on the minus strand); the first of 5 consecutive T bases (chr15:48,492,547-48,492,551); deleting any one gives the same sequence. VCF-style (leftmost placement, unchanged base first): chr15-48492546-AT-A. GRCh37 (hg19) VCF-style: chr15-48784743-AT-A.
Other names: short protein forms N923fs.
Identifiers: ClinVar variation 1447307 (VCV001447307.6), dbSNP rs1597567246, ClinGen allele CA2573150783.

ClinVar aggregate classification (germline): Pathogenic (1 of 4 stars; one submission).

Conditions:
Marfan syndrome (MFS). Also called: MARFAN SYNDROME, TYPE I; Marfan syndrome type 1; Marfan's syndrome; Marfan syndrome, classic; FBN1-Related Marfan Syndrome. Identifiers: Orphanet 284963, Orphanet 558, MedGen C0024796, MONDO:0007947, OMIM 154700.
Familial thoracic aortic aneurysm and aortic dissection (TAAD). Also called: Thoracic aortic aneurysms and dissections. Identifiers: Orphanet 91387, MedGen C4707243, MONDO:0019625.

Submission:

Labcorp Genetics (formerly Invitae), Labcorp
Classification: Pathogenic for Marfan syndrome; Familial thoracic aortic aneurysm and aortic dissection. Last evaluated: 2021-03-17. Review status: criteria provided, single submitter. Criteria: Invitae Variant Classification Sherloc (09022015). Collection method: clinical testing. Allele origin: germline.
Comment: This sequence change creates a premature translational stop signal (p.Asn923Metfs*19) in the FBN1 gene. It is expected to result in an absent or disrupted protein product. Loss-of-function variants in FBN1 are known to be pathogenic (PMID: 17657824, 19293843). This variant is not present in population databases (ExAC no frequency). This variant has not been reported in the literature in individuals with FBN1-related conditions. For these reasons, this variant has been classified as Pathogenic.

Literature cited by the submitters: PubMed 17657824; PubMed 19293843.